The following is an entry in ClinVar:

ClinVar aggregate classification (germline): Likely benign (1 of 4 stars; one submission).

gnomAD v4.1: 138 of 1,614,122 alleles (0.0085%); highest among the groups gnomAD compares: African/African-American, 0.12%; no homozygotes.

Submission:

CeGaT Center for Human Genetics Tuebingen
Classification: Likely benign. Last evaluated: 2026-08-01. Review status: criteria provided, single submitter. Criteria: CeGaT Center For Human Genetics Tuebingen Variant Classification Criteria Version 2. Collection method: clinical testing. Allele origin: germline. Affected: yes. Observed: 1 variant allele.
Comment: VPS41: BP4, BP7

NM_014396.4(VPS41):c.2379G>A (p.Ser793=)

Gene: VPS41 (VPS41 subunit of HOPS complex; minus strand). Cytogenetic location: 7p14.1.
Variant type: single nucleotide variant.
Coding change: c.2379G>A on transcript NM_014396.4 (MANE Select); coding-DNA position 2379, G replaced by A.
Protein change: p.Ser793=; no amino-acid change (serine 793 retained).
Molecular consequence: synonymous variant.
Genome position (GRCh38, 1-based): chr7:38,728,567, C>T on the plus strand (G>A on the coding strand, the complement: VPS41 is on the minus strand). VCF-style: chr7-38728567-C-T. GRCh37 (hg19) VCF-style: chr7-38768167-C-T.
Other names: c.2304G>A, p.Ser768= (NM_080631.4).
Identifiers: ClinVar variation 5039367 (VCV005039367.1).